The following is an entry in ClinVar:

NM_017654.4(SAMD9):c.2052_2055del (p.Phe683_Tyr684insTer)

Gene: SAMD9 (sterile alpha motif domain containing 9; minus strand). Cytogenetic location: 7q21.2.
Variant type: Deletion.
Coding change: c.2052_2055del on transcript NM_017654.4 (MANE Select); coding-DNA positions 2052 to 2055, 4 bases deleted (TCGA; older notation c.2052_2055delTCGA).
Protein change: p.Phe683_Tyr684insTer.
Molecular consequence: nonsense.
Genome position (GRCh38, 1-based): chr7:93,104,043-93,104,046, TCGA deleted on the plus strand (TCGA on the coding strand, the reverse complement: SAMD9 is on the minus strand); deleting any 4 consecutive bases within chr7:93,104,043-93,104,047 gives the same sequence; the c. name uses the placement nearest the transcript's 3' end. VCF-style (leftmost placement, unchanged base first): chr7-93104042-CTCGA-C. GRCh37 (hg19) VCF-style: chr7-92733355-CTCGA-C.
Other names: c.2052_2055del, p.Phe683_Tyr684insTer (NM_001193307.2).
Identifiers: ClinVar variation 4884060 (VCV004884060.2).

ClinVar aggregate classification (germline): Uncertain significance (1 of 4 stars; one submission).

Conditions:
MIRAGE syndrome. Also called: MYELODYSPLASIA, INFECTION, RESTRICTION OF GROWTH, ADRENAL HYPOPLASIA, GENITAL PHENOTYPES, AND ENTEROPATHY. Identifiers: Orphanet 494433, MedGen C4284088, MONDO:0014888, OMIM 617053.

Submission:

Dasa
Classification: Uncertain significance for MIRAGE syndrome. Last evaluated: 2025-08-26. Review status: criteria provided, single submitter. Criteria: DASA Assertion Criteria. Collection method: clinical testing. Allele origin: germline.
Comment: NM_017654.4(SAMD9):c.2052_2055del (p.Tyr684*) is a frameshift variant in SAMD9 predicted to alter the reading frame and introduce a premature termination codon. This variant is absent from population databases. The currently available literature and clinical evidence are not sufficient to establish a definitive association between this variant and the reported condition. Therefore, this variant is classified as a variant of uncertain significance.